The following is an entry in ClinVar:

NM_001042681.2(RERE):c.1274A>G (p.Asn425Ser)

Gene: RERE (arginine-glutamic acid dipeptide repeats; minus strand). Cytogenetic location: 1p36.23.
Variant type: single nucleotide variant.
Coding change: c.1274A>G on transcript NM_001042681.2 (MANE Select); coding-DNA position 1274, A replaced by G.
Protein change: p.Asn425Ser; replaces asparagine 425 with serine.
Molecular consequence: missense variant. On other transcripts: 5 prime UTR variant (1).
Genome position (GRCh38, 1-based): chr1:8,422,737, T>C on the plus strand (A>G on the coding strand, the complement: RERE is on the minus strand). VCF-style: chr1-8422737-T-C. GRCh37 (hg19) VCF-style: chr1-8482797-T-C.
Other names: c.-389A>G (NM_001042682.2); c.1274A>G, p.Asn425Ser (NM_012102.4); short protein forms N425S.
Identifiers: ClinVar variation 711834 (VCV000711834.38), dbSNP rs147112611, ClinGen allele CA571790.

ClinVar aggregate classification (germline): Benign/Likely benign. Review status: criteria provided, multiple submitters, no conflicts (2 of 4 stars). 6 submissions from 6 submitters: Benign (3); Likely benign (2). 1 of the submissions does not count toward it. Last evaluated 2026-07-01.

Conditions:
RERE-related disorder. Also called: RERE-Related Disorders; RERE-related condition. Identifiers: MedGen CN381537.
Neurodevelopmental disorder with or without anomalies of the brain, eye, or heart (NEDBEH). Identifiers: Orphanet 494344, MedGen C5567477, MONDO:0014857, OMIM 616975.

Allele frequency attached by ClinVar (database versions not stated): gnomAD 0.00098; 1000 Genomes Project 0.00100; ESP Exome Variant Server 0.00100; TOPMed 0.00106; ExAC 0.00110; 1000 Genomes Project 30x 0.00125; gnomAD exomes 0.00132 and 0.00143.
gnomAD v4.1: 2,248 of 1,612,642 alleles (0.14%); highest among the groups gnomAD compares: Admixed American, 0.2%; 4 homozygotes.

Submissions (12):

CeGaT Center for Human Genetics Tuebingen
Classification: Likely benign. Last evaluated: 2026-07-01. Review status: criteria provided, single submitter. Criteria: CeGaT Center For Human Genetics Tuebingen Variant Classification Criteria Version 2. Collection method: clinical testing. Allele origin: germline. Affected: yes. Observed: 4 variant alleles.
Comment: RERE: BS1

Labcorp Genetics (formerly Invitae), Labcorp
Classification: Benign. Last evaluated: 2025-12-17. Review status: criteria provided, single submitter. Criteria: Invitae Variant Classification Sherloc (09022015). Collection method: clinical testing. Allele origin: germline.

Blueprint Genetics
Classification: Likely benign. Last evaluated: 2024-10-14. Review status: criteria provided, single submitter. Criteria: ACMG Guidelines, 2015. Collection method: clinical testing. Allele origin: germline.

Department of Pathology and Laboratory Medicine, Sinai Health System
Classification: Benign for Neurodevelopmental disorder with or without anomalies of the brain, eye, or heart. Last evaluated: 2020-08-10. Review status: criteria provided, single submitter. Criteria: ACMG Guidelines, 2015. Collection method: research. Allele origin: germline.

Breakthrough Genomics
Classification: Benign. Review status: criteria provided, single submitter. Criteria: ACMG Guidelines, 2015. Collection method: not provided. Allele origin: germline. Inheritance: Autosomal dominant inheritance. Affected: yes.

PreventionGenetics, part of Exact Sciences
Classification: Benign for RERE-related condition. Last evaluated: 2023-12-11. Review status: no assertion criteria provided. Collection method: clinical testing. Allele origin: germline. Not counted in ClinVar's aggregate classification.
Comment: This variant is classified as benign based on ACMG/AMP sequence variant interpretation guidelines (Richards et al. 2015 PMID: 25741868, with internal and published modifications).

Dr. Peter K. Rogan Lab, Western University
No classification provided (evidence only). Condition: Clear cell carcinoma of kidney. Review status: no classification provided. Collection method: in vitro. Allele origin: not applicable. Functional consequence: retained intron. Not counted in ClinVar's aggregate classification.

Dr. Peter K. Rogan Lab, Western University
No classification provided (evidence only). Condition: Familial cancer of breast. Review status: no classification provided. Collection method: in vitro. Allele origin: not applicable. Functional consequence: retained intron. Not counted in ClinVar's aggregate classification.

Dr. Peter K. Rogan Lab, Western University
No classification provided (evidence only). Condition: Familial cancer of breast. Review status: no classification provided. Collection method: in vitro. Allele origin: not applicable. Functional consequence: retained intron. Not counted in ClinVar's aggregate classification.

Dr. Peter K. Rogan Lab, Western University
No classification provided (evidence only). Condition: Sarcoma. Review status: no classification provided. Collection method: in vitro. Allele origin: not applicable. Functional consequence: retained intron. Not counted in ClinVar's aggregate classification.

Dr. Peter K. Rogan Lab, Western University
No classification provided (evidence only). Condition: Sarcoma. Review status: no classification provided. Collection method: in vitro. Allele origin: not applicable. Functional consequence: retained intron. Not counted in ClinVar's aggregate classification.

Dr. Peter K. Rogan Lab, Western University
No classification provided (evidence only). Condition: Gastric cancer. Review status: no classification provided. Collection method: in vitro. Allele origin: not applicable. Functional consequence: retained intron. Not counted in ClinVar's aggregate classification.